The following is an entry in ClinVar:

NM_000396.4(CTSK):c.653del (p.Ala218fs)

Gene: CTSK (cathepsin K; minus strand). Cytogenetic location: 1q21.3.
Variant type: Deletion.
Coding change: c.653del on transcript NM_000396.4 (MANE Select); coding-DNA position 653, one base deleted (C; older notation c.653delC).
Protein change: p.Ala218fs; shifts the reading frame from alanine 218.
Molecular consequence: frameshift variant.
Genome position (GRCh38, 1-based): chr1:150,799,675, G deleted on the plus strand (C on the coding strand, the reverse complement: CTSK is on the minus strand). VCF-style (leftmost placement, unchanged base first): chr1-150799674-TG-T. GRCh37 (hg19) VCF-style: chr1-150772150-TG-T.
Other names: short protein forms A218fs.
Identifiers: ClinVar variation 1443731 (VCV001443731.7), dbSNP rs2101948096, ClinGen allele CA2573131050.

ClinVar aggregate classification (germline): Pathogenic. Review status: criteria provided, multiple submitters, no conflicts (2 of 4 stars). 2 submissions from 2 submitters: Pathogenic (2). Last evaluated 2023-11-25.

Conditions:
Pyknodysostosis. Also called: Pycnodysostosis. Identifiers: Orphanet 763, MedGen C0238402, MONDO:0009940, OMIM 265800.

Submissions (2):

Myriad Genetics, Inc.
Classification: Pathogenic for Pyknodysostosis. Last evaluated: 2023-11-25. Review status: criteria provided, single submitter. Criteria: Myriad Autosomal Dominant, Autosomal Recessive and X-Linked Classification Criteria (2023). Collection method: clinical testing. Allele origin: unknown.
Comment: NM_000396.3(CTSK):c.653delC(A218Efs*18) is expected to be pathogenic in the context of pycnodysostosis. This variant is predicted to lead to an abnormal or absent protein product due to the creation of a premature termination codon in CTSK, a gene where loss-of-function variants are known to be pathogenic. Please note: this variant was assessed in the context of healthy population screening.

Labcorp Genetics (formerly Invitae), Labcorp
Classification: Pathogenic. Last evaluated: 2021-08-13. Review status: criteria provided, single submitter. Criteria: Invitae Variant Classification Sherloc (09022015). Collection method: clinical testing. Allele origin: germline.
Comment: This variant has not been reported in the literature in individuals with CTSK-related conditions. For these reasons, this variant has been classified as Pathogenic. This variant is not present in population databases (ExAC no frequency). This sequence change creates a premature translational stop signal (p.Ala218Glufs*18) in the CTSK gene. It is expected to result in an absent or disrupted protein product. Loss-of-function variants in CTSK are known to be pathogenic (PMID: 12125807, 21569238).

Literature cited by the submitters: PubMed 12125807 (cited by Labcorp Genetics (formerly Invitae), Labcorp); PubMed 21569238 (cited by Labcorp Genetics (formerly Invitae), Labcorp).